The following is an entry in ClinVar:

NM_024570.4(RNASEH2B):c.4G>C (p.Ala2Pro)

Genes: RNASEH2B-AS1 (RNASEH2B antisense RNA 1; minus strand), RNASEH2B (ribonuclease H2 subunit B; plus strand), LOC130009810 (ATAC-STARR-seq lymphoblastoid silent region 5362; plus strand). Cytogenetic location: 13q14.3.
Variant type: single nucleotide variant.
Coding change: c.4G>C on transcript NM_024570.4 (MANE Select); coding-DNA position 4, G replaced by C.
Protein change: p.Ala2Pro; replaces alanine 2 with proline.
Molecular consequence: missense variant.
Genome position (GRCh38, 1-based): chr13:50,910,080, G>C. VCF-style: chr13-50910080-G-C. GRCh37 (hg19) VCF-style: chr13-51484216-G-C.
Other names: c.4G>C, p.Ala2Pro (NM_001142279.2); short protein forms A2P.
Identifiers: ClinVar variation 1512047 (VCV001512047.5), dbSNP rs1161853513, ClinGen allele CA388258355.
Genomic context (GRCh38, chr13:50,910,080, plus strand): 5'-CTGGGAGACTGAGGCCCGCGGCGCTGAGCCTGCGGCGCCCCGGAAGAGGCGGGCGGCATG[G>C]CCGCTGGCGTGGACTGCGGGGACGGGGTTGGCGCCCGGCAGCACGTGTTCCTGGTTTCAG-3'
Protein context (NP_078846.2, residues 1-12): M[Ala2Pro]AGVDCGDGVG

ClinVar aggregate classification (germline): Uncertain significance (1 of 4 stars; one submission).

Conditions:
Aicardi-Goutieres syndrome 2. Identifiers: Orphanet 51, MedGen C3489724, MONDO:0012429, OMIM 610181.

Allele frequency attached by ClinVar (database versions not stated): TOPMed below 0.00001; gnomAD 0.00001.
gnomAD v4.1: 2 of 1,463,762 alleles (0.00014%); highest among the groups gnomAD compares: Non-Finnish European, 0.00018%; no homozygotes.

Submission:

Labcorp Genetics (formerly Invitae), Labcorp
Classification: Uncertain significance for Aicardi-Goutieres syndrome 2. Last evaluated: 2022-10-25. Review status: criteria provided, single submitter. Criteria: Invitae Variant Classification Sherloc (09022015). Collection method: clinical testing. Allele origin: germline.
Comment: This sequence change replaces alanine, which is neutral and non-polar, with proline, which is neutral and non-polar, at codon 2 of the RNASEH2B protein (p.Ala2Pro). This variant is not present in population databases (gnomAD no frequency). This variant has not been reported in the literature in individuals affected with RNASEH2B-related conditions. ClinVar contains an entry for this variant (Variation ID: 1512047). Advanced modeling of protein sequence and biophysical properties (such as structural, functional, and spatial information, amino acid conservation, physicochemical variation, residue mobility, and thermodynamic stability) has been performed at Invitae for this missense variant, however the output from this modeling did not meet the statistical confidence thresholds required to predict the impact of this variant on RNASEH2B protein function. In summary, the available evidence is currently insufficient to determine the role of this variant in disease. Therefore, it has been classified as a Variant of Uncertain Significance.